The following is an entry in ClinVar:

ClinVar aggregate classification (germline): not provided (0 of 4 stars; one submission).

Conditions:
Normal pregnancy. Identifiers: MedGen C0232989.

Submission:

Institute of Molecular and Cell Biology, University of Tartu
No classification provided. Condition: Normal pregnancy. Review status: no classification provided. Collection method: case-control. Allele origin: unknown. Affected: yes. Study: Kasak2014.
Comment: The study aimed to determine the contribution of copy number variants in the genetic etiology of normal and complicated pregnancies. The samples represented (i) maternal blood DNA drawn from healthy pregnant women during 1st or 2nd trimester and (ii) maternal and paternal blood DNA drawn at term pregnancy cases representing normal and complicated gestations (severe preeclampsia, PE; gestational diabetes, GD; small-for-gestational age newborn, SGA; large-for-gestational age newborn, LGA). We performed CNV calling based on genome-wide genotyping dataset (Illumina HumanOmniExpress-24-v1 BeadChip) by applying three algorithms, QuantiSNP, GADA (Genome Alteration Detection Algorithm) and CNstream in parallel. The acquired CNV calls were merged with HD-CNV (Hotspot Detector for Copy Number Variants) program and only the CNVs predicted by at least two programs, were considered in subsequent analysis.

Literature cited by the submitters: PubMed 25666259.

NM_016316.4(REV1):c.351-3232_770dup

Gene: REV1 (REV1 DNA directed polymerase; minus strand). Cytogenetic location: 2q11.2.
Variant type: Duplication.
Coding change: c.351-3232_770dup on transcript NM_016316.4 (MANE Select); 3232 bases into the intron before coding-DNA position 351 through coding-DNA position 770, 6,658 bases duplicated.
Molecular consequence: splice acceptor variant, splice donor variant.
Genome position (GRCh38, 1-based): chr2:99,439,044-99,445,701, 6,658 bases duplicated. GRCh37 (hg19): chr2:100,055,506-100,062,163.
Other names: c.351-3232_770dup (NM_001037872.3, NM_001321454.2); c.141-3232_560dup (NM_001321455.2); c.-1244-3232_-825dup (NM_001321458.2); c.-1419-3232_-1000dup (NM_001321459.2); c.-1416-3232_-997dup (NM_001321460.2).
Identifiers: ClinVar variation 156800 (VCV000156800.2).